The following is an entry in ClinVar:

ClinVar aggregate classification (germline): Conflicting classifications of pathogenicity. Review status: criteria provided, conflicting classifications (1 of 4 stars). 13 submissions from 13 submitters: Uncertain significance (10); Likely benign (2). 1 of the submissions does not count toward it. Last evaluated 2025-02-16.

Conditions:
Fanconi anemia (FA). Also called: Fanconi's anemia. Identifiers: Orphanet 84, MedGen C0015625, MeSH D005199, MONDO:0019391.
Fanconi anemia complementation group P. Also called: SLX4-Related Fanconi Anemia. Identifiers: Orphanet 84, MedGen C3469542, MONDO:0013499, OMIM 613951.

Allele frequency attached by ClinVar (database versions not stated): ExAC 0.00024; TOPMed 0.00029; ESP Exome Variant Server 0.00031; gnomAD exomes 0.00033 and 0.00051; gnomAD 0.00036; 1000 Genomes Project 0.00040; 1000 Genomes Project 30x 0.00047.

Submissions (13):

Laboratory of Genetics, Children's Clinical University Hospital Latvia
Classification: Likely benign. Last evaluated: 2025-02-16. Review status: criteria provided, single submitter. Criteria: ACMG Guidelines, 2015. Collection method: clinical testing. Allele origin: germline. Affected: yes.

Labcorp Genetics (formerly Invitae), Labcorp
Classification: Uncertain significance for Fanconi anemia. Last evaluated: 2025-01-08. Review status: criteria provided, single submitter. Criteria: Invitae Variant Classification Sherloc (09022015). Collection method: clinical testing. Allele origin: germline.
Comment: This sequence change replaces valine, which is neutral and non-polar, with glycine, which is neutral and non-polar, at codon 894 of the SLX4 protein (p.Val894Gly). This variant is present in population databases (rs145137472, gnomAD 0.1%). This missense change has been observed in individual(s) with breast cancer and/or ovarian cancer (PMID: 22911665, 32546565, 36916425). ClinVar contains an entry for this variant (Variation ID: 319164). An algorithm developed to predict the effect of missense changes on protein structure and function outputs the following: PolyPhen-2: "Benign". The glycine amino acid residue is found in multiple mammalian species, which suggests that this missense change does not adversely affect protein function. In summary, the available evidence is currently insufficient to determine the role of this variant in disease. Therefore, it has been classified as a Variant of Uncertain Significance.

Blueprint Genetics
Classification: Likely benign. Last evaluated: 2024-10-29. Review status: criteria provided, single submitter. Criteria: ACMG Guidelines, 2015. Collection method: clinical testing. Allele origin: germline.

Fulgent Genetics
Classification: Uncertain significance for Fanconi anemia complementation group P. Last evaluated: 2024-01-16. Review status: criteria provided, single submitter. Criteria: ACMG Guidelines, 2015. Collection method: clinical testing. Allele origin: germline.

Women's Health and Genetics/Laboratory Corporation of America, LabCorp
Classification: Uncertain significance. Last evaluated: 2023-12-28. Review status: criteria provided, single submitter. Criteria: LabCorp Variant Classification Summary - May 2015. Collection method: clinical testing. Allele origin: germline.
Comment: Variant summary: BTBD12 c.2681T>G (p.Val894Gly) results in a non-conservative amino acid change in the encoded protein sequence. Four of five in-silico tools predict a benign effect of the variant on protein function. The variant allele was found at a frequency of 0.00033 in 282824 control chromosomes (gnomAD). c.2681T>G has been reported in the literature in individuals affected with breast cancer and/or ovarian cancer (examples: Bakker_2012, Song_2019). These report(s) do not provide unequivocal conclusions about association of the variant with Fanconi Anemia. To our knowledge, no experimental evidence demonstrating an impact on protein function has been reported. The following publications have been ascertained in the context of this evaluation (PMID: 22911665, 36916425, 32546565). Seven submitters have cited clinical-significance assessments for this variant to ClinVar after 2014. All submitters classified the variant as uncertain significance. Based on the evidence outlined above, the variant was classified as uncertain significance.

GeneDx
Classification: Uncertain significance. Last evaluated: 2022-10-17. Review status: criteria provided, single submitter. Criteria: GeneDx Variant Classification Process June 2021. Collection method: clinical testing. Allele origin: germline. Affected: yes.
Comment: In silico analysis supports that this missense variant does not alter protein structure/function; Observed in individuals with breast cancer, as well as in healthy controls (Bakker et al., 2013; Song et al., 2021); This variant is associated with the following publications: (PMID: 22911665, 32546565)

Sema4
Classification: Uncertain significance for Fanconi anemia. Last evaluated: 2022-01-26. Review status: criteria provided, single submitter. Criteria: Sema4 Curation Guidelines. Collection method: curation. Allele origin: germline.
Comment: The SLX4 c.2681T>G (p.V894G) variant has been reported in heterozygosity in at least 2 individuals with breast cancer (PMID: 22911665). It has been reported in case-control study of ovarian cancer in 4/6385 cases and in 4/6115 controls (PMID: 32546565). It was observed in 11/10370 chromosomes of the Ashkenazi Jewish subpopulation in the large and broad cohorts of the Genome Aggregation Database (PMID: 32461654). This variant has been reported in ClinVar (Variation ID 319164). In silico tools suggest the impact of the variant on protein function is benign, though these predictions have not been confirmed by functional studies. The evidence is insufficient to meet ACMG/AMP criteria for classifying the variant as benign or pathogenic. Thus, the clinical significance of this variant is currently uncertain.

Institute for Clinical Genetics, University Hospital TU Dresden, University Hospital TU Dresden
Classification: Uncertain significance. Last evaluated: 2021-11-03. Review status: criteria provided, single submitter. Criteria: ACMG Guidelines, 2015. Collection method: clinical testing. Allele origin: germline.

Center for Genomics, Ann and Robert H. Lurie Children's Hospital of Chicago
Classification: Uncertain significance for Fanconi anemia complementation group P. Last evaluated: 2021-03-30. Review status: criteria provided, single submitter. Criteria: ACMG Guidelines, 2015. Collection method: clinical testing. Allele origin: germline.
Comment: SLX4 NM_032444.3 exon 12 p.Val894Gly (c.2681T>G): This variant has not been reported in the literature and is present in 0.1% (11/10370) of Ashkenazi Jewish alleles in the Genome Aggregation Database. This variant is present in ClinVar (Variation ID:319164). This variant amino acid Glycine (Gly) is present in multiple mammals and is not well conserved among evolutionarily distant species; this suggests that this variant may not impact the protein. Additional computational prediction tools do not suggest an impact. In summary, data on this variant is insufficient for disease classification. Therefore, the clinical significance of this variant is uncertain.

CeGaT Center for Human Genetics Tuebingen
Classification: Uncertain significance. Last evaluated: 2018-07-01. Review status: criteria provided, single submitter. Criteria: CeGaT Center For Human Genetics Tuebingen Variant Classification Criteria Version 2. Collection method: clinical testing. Allele origin: germline. Affected: yes. Observed: 1 variant allele.

Illumina Laboratory Services, Illumina
Classification: Uncertain significance for Fanconi anemia complementation group P. Last evaluated: 2018-01-12. Review status: criteria provided, single submitter. Criteria: ICSL Variant Classification Criteria 13 December 2019. Collection method: clinical testing. Allele origin: germline.

Breakthrough Genomics
Classification: Uncertain significance. Review status: criteria provided, single submitter. Criteria: ACMG Guidelines, 2015. Collection method: not provided. Allele origin: germline. Inheritance: Autosomal recessive inheritance. Affected: yes.

Leiden Open Variation Database
Classification: Likely benign. Last evaluated: 2012-08-31. Review status: no assertion criteria provided. Collection method: curation. Allele origin: germline. Affected: yes. Not counted in ClinVar's aggregate classification.
Comment: Curator: Arleen D. Auerbach. Submitter to LOVD: Janine Bakker.

Literature cited by the submitters: PubMed 22911665 (cited by 4 submitters); PubMed 32546565 (cited by 3 submitters); PubMed 36916425 (cited by Labcorp Genetics (formerly Invitae), Labcorp and Women's Health and Genetics/Laboratory Corporation of America, LabCorp).

NM_032444.4(SLX4):c.2681T>G (p.Val894Gly)

Gene: SLX4 (SLX4 structure-specific endonuclease subunit; minus strand). Cytogenetic location: 16p13.3.
Variant type: single nucleotide variant.
Coding change: c.2681T>G on transcript NM_032444.4 (MANE Select); coding-DNA position 2681, T replaced by G.
Protein change: p.Val894Gly; replaces valine 894 with glycine.
Molecular consequence: missense variant.
Genome position (GRCh38, 1-based): chr16:3,590,957, A>C on the plus strand (T>G on the coding strand, the complement: SLX4 is on the minus strand). VCF-style: chr16-3590957-A-C. GRCh37 (hg19) VCF-style: chr16-3640958-A-C.
Other names: c.2681T>G (LRG_503t1); short protein forms V894G.
Identifiers: ClinVar variation 319164 (VCV000319164.66), dbSNP rs145137472, ClinGen allele CA7866101.